The following is an entry in ClinVar:

ClinVar aggregate classification (germline): Pathogenic (1 of 4 stars; one submission).

Submission:

Labcorp Genetics (formerly Invitae), Labcorp
Classification: Pathogenic. Last evaluated: 2023-11-19. Review status: criteria provided, single submitter. Criteria: Invitae Variant Classification Sherloc (09022015). Collection method: clinical testing. Allele origin: germline.
Comment: This sequence change creates a premature translational stop signal (p.Arg222Serfs*13) in the ELP1 gene. It is expected to result in an absent or disrupted protein product. Loss-of-function variants in ELP1 are known to be pathogenic (PMID: 18303054, 24173031). This variant is not present in population databases (gnomAD no frequency). This variant has not been reported in the literature in individuals affected with ELP1-related conditions. For these reasons, this variant has been classified as Pathogenic.

Literature cited by the submitters: PubMed 18303054; PubMed 24173031.

NM_003640.5(ELP1):c.666_667del (p.Arg222fs)

Gene: ELP1 (elongator acetyltransferase complex subunit 1; minus strand). Cytogenetic location: 9q31.3.
Variant type: Microsatellite.
Coding change: c.666_667del on transcript NM_003640.5 (MANE Select); coding-DNA positions 666 to 667, 2 bases deleted (AG; older notation c.666_667delAG).
Protein change: p.Arg222fs; shifts the reading frame from arginine 222.
Molecular consequence: frameshift variant. On other transcripts: intron variant (1).
Genome position (GRCh38, 1-based): chr9:108,918,884-108,918,885, CT deleted on the plus strand (AG on the coding strand, the reverse complement: ELP1 is on the minus strand); deleting any 2 consecutive bases within chr9:108,918,884-108,918,887 gives the same sequence; the c. name uses the placement nearest the transcript's 3' end. VCF-style (leftmost placement, unchanged base first): chr9-108918883-ACT-A. GRCh37 (hg19) VCF-style: chr9-111681163-ACT-A.
Other names: c.324_325del, p.Arg108fs (NM_001318360.2); c.-307-1215_-307-1214del (NM_001330749.2); short protein forms R222fs, R108fs.
Identifiers: ClinVar variation 2768625 (VCV002768625.3), dbSNP rs2537942437, ClinGen allele CA2697557971.